The following is an entry in ClinVar:

ClinVar aggregate classification (germline): Uncertain significance (1 of 4 stars; one submission).

gnomAD v4.1: 1 of 1,613,920 alleles (0.000062%); highest among the groups gnomAD compares: Admixed American, 0.0017%; no homozygotes.

Submission:

Ambry Genetics
Classification: Uncertain significance. Last evaluated: 2024-10-17. Review status: criteria provided, single submitter. Criteria: Ambry Variant Classification Scheme 2023. Collection method: clinical testing. Allele origin: germline.
Comment: The c.628C>A (p.P210T) alteration is located in exon (coding exon ) of the SH3RF3 gene. This alteration results from a C to A substitution at nucleotide position 628, causing the proline (P) at amino acid position 210 to be replaced by a threonine (T). Based on insufficient or conflicting evidence, the clinical significance of this alteration remains unclear.

NM_001099289.3(SH3RF3):c.628C>A (p.Pro210Thr)

Genes: RANBP2 (RAN binding protein 2; plus strand), SH3RF3 (SH3 domain containing ring finger 3; plus strand). Cytogenetic location: 2q13.
Variant type: single nucleotide variant.
Coding change: c.628C>A on transcript NM_001099289.3 (MANE Select); coding-DNA position 628, C replaced by A.
Protein change: p.Pro210Thr; replaces proline 210 with threonine.
Molecular consequence: missense variant.
Genome position (GRCh38, 1-based): chr2:109,347,728, C>A. VCF-style: chr2-109347728-C-A. GRCh37 (hg19) VCF-style: chr2-109964184-C-A.
Other names: short protein forms P210T.
Identifiers: ClinVar variation 3441126 (VCV003441126.1).